The following is an entry in ClinVar:

ClinVar aggregate classification (germline): Likely pathogenic (1 of 4 stars; one submission).

Conditions:
X-linked Alport syndrome (ATS1). Also called: NEPHROPATHY AND DEAFNESS, X-LINKED; COL4A5-Related Nephropathy. Identifiers: Orphanet 63, Orphanet 88917, MedGen C4746986, MONDO:0010520, OMIM 301050.

Submission:

Juno Genomics, Hangzhou Juno Genomics, Inc
Classification: Likely pathogenic for X-linked Alport syndrome. Review status: criteria provided, single submitter. Criteria: ACMG Guidelines, 2015. Collection method: clinical testing. Allele origin: germline. Affected: yes.
Comment: Absent from controls (or at extremely low frequency if recessive) in Genome Aggregation Database, Exome Sequencing Project, 1000 Genomes Project, or Exome Aggregation Consortium.;Multiple lines of computational evidence support a deleterious effect on the gene or gene product (conservation, evolutionary, splicing impact, etc).;Patient's phenotype or family history is highly specific for a disease with a single genetic etiology.

NM_033380.3(COL4A5):c.3400G>C (p.Gly1134Arg)

Gene: COL4A5 (collagen type IV alpha 5 chain; plus strand). Cytogenetic location: Xq22.3.
Variant type: single nucleotide variant.
Coding change: c.3400G>C on transcript NM_033380.3 (MANE Select); coding-DNA position 3400, G replaced by C.
Protein change: p.Gly1134Arg; replaces glycine 1134 with arginine.
Molecular consequence: missense variant.
Genome position (GRCh38, 1-based): chrX:108,665,533, G>C. VCF-style: chrX-108665533-G-C. GRCh37 (hg19) VCF-style: chrX-107908763-G-C.
Other names: c.3400G>C, p.Gly1134Arg (NM_000495.5); short protein forms G1134R.
Identifiers: ClinVar variation 3382355 (VCV003382355.2).